The following is an entry in ClinVar:

ClinVar aggregate classification (germline): Uncertain significance (1 of 4 stars; one submission).

Conditions:
Propionic acidemia (PROP). Also called: GLYCINEMIA, KETOTIC; HYPERGLYCINEMIA WITH KETOACIDOSIS AND LEUKOPENIA; KETOTIC HYPERGLYCINEMIA. Identifiers: Orphanet 35, MedGen C0268579, MONDO:0011628, OMIM 606054, HP:0003571.

Submission:

Labcorp Genetics (formerly Invitae), Labcorp
Classification: Uncertain significance for Propionic acidemia. Last evaluated: 2021-07-02. Review status: criteria provided, single submitter. Criteria: Invitae Variant Classification Sherloc (09022015). Collection method: clinical testing. Allele origin: germline.
Comment: In summary, the available evidence is currently insufficient to determine the role of this variant in disease. Therefore, it has been classified as a Variant of Uncertain Significance. Algorithms developed to predict the effect of sequence changes on RNA splicing suggest that this variant may create or strengthen a splice site. Advanced modeling of protein sequence and biophysical properties (such as structural, functional, and spatial information, amino acid conservation, physicochemical variation, residue mobility, and thermodynamic stability) performed at Invitae indicates that this missense variant is expected to disrupt PCCB protein function. This variant has not been reported in the literature in individuals affected with PCCB-related conditions. This variant is not present in population databases (ExAC no frequency). This sequence change replaces asparagine with lysine at codon 452 of the PCCB protein (p.Asn452Lys). The asparagine residue is highly conserved and there is a moderate physicochemical difference between asparagine and lysine.

NM_000532.5(PCCB):c.1356C>G (p.Asn452Lys)

Gene: PCCB (propionyl-CoA carboxylase subunit beta; plus strand). Cytogenetic location: 3q22.3.
Variant type: single nucleotide variant.
Coding change: c.1356C>G on transcript NM_000532.5 (MANE Select); coding-DNA position 1356, C replaced by G.
Protein change: p.Asn452Lys; replaces asparagine 452 with lysine.
Molecular consequence: missense variant.
Genome position (GRCh38, 1-based): chr3:136,327,690, C>G. VCF-style: chr3-136327690-C-G. GRCh37 (hg19) VCF-style: chr3-136046532-C-G.
Other names: c.1416C>G, p.Asn472Lys (NM_001178014.2); short protein forms N452K, N472K.
Identifiers: ClinVar variation 1365224 (VCV001365224.8), dbSNP rs1455298516, ClinGen allele CA354649391.